The following is an entry in ClinVar:

NM_000478.6(ALPL):c.94C>T (p.Gln32Ter)

Gene: ALPL (alkaline phosphatase, biomineralization associated; plus strand). Cytogenetic location: 1p36.12.
Variant type: single nucleotide variant.
Coding change: c.94C>T on transcript NM_000478.6 (MANE Select); coding-DNA position 94, C replaced by T.
Protein change: p.Gln32Ter; replaces glutamine 32 with a stop codon.
Molecular consequence: nonsense. On other transcripts: 5 prime UTR variant (2).
Genome position (GRCh38, 1-based): chr1:21,560,658, C>T. VCF-style: chr1-21560658-C-T. GRCh37 (hg19) VCF-style: chr1-21887151-C-T.
Other names: c.-72C>T (NM_001127501.4); c.-22C>T (NM_001177520.3); c.94C>T, p.Gln32Ter (NM_001369803.2, NM_001369804.2, NM_001369805.2); short protein forms Q32*.
Identifiers: ClinVar variation 974971 (VCV000974971.14), dbSNP rs1209147330, ClinGen allele CA338877498.

ClinVar aggregate classification (germline): Pathogenic/Likely pathogenic. Review status: criteria provided, multiple submitters, no conflicts (2 of 4 stars). 7 submissions from 7 submitters: Pathogenic (5); Likely pathogenic (1). 1 of the submissions does not count toward it. Last evaluated 2025-12-11.

Conditions:
ALPL-related disorder. Also called: ALPL-related disorders; ALPL-related condition.
Hypophosphatasia. Also called: Phosphoethanol-aminuria. Identifiers: Orphanet 436, MedGen C0020630, MeSH D007014, MONDO:0018570.
Adult hypophosphatasia. Identifiers: Orphanet 247676, Orphanet 436, MedGen C0268413, MONDO:1010154, OMIM 146300, MONDO:0007798.

Allele frequency attached by ClinVar (database versions not stated): gnomAD exomes below 0.00001; TOPMed 0.00001.
gnomAD v4.1: 2 of 1,614,138 alleles (0.00012%); highest among the groups gnomAD compares: Non-Finnish European, 0.00017%; no homozygotes.

Submissions (7):

JKU Lab, Dept of Paediatrics, Johannes Kepler University
Classification: Pathogenic for Hypophosphatasia. Last evaluated: 2025-12-11. Review status: criteria provided, single submitter. Criteria: ACMG Guidelines, 2015. Collection method: curation. Allele origin: germline. Affected: yes.
Comment: This nonsense variant is present in GnomAD 4.1 (f = 0.0001368%). Splice-prediction algorithms predict no effect on splicing. This variant has been reported in the literature in individuals affected with ALPL-related conditions (PMID:32973344;PMID:32160374;PMID:32811521).

Genomenon, Inc
Classification: Pathogenic for Hypophosphatasia. Last evaluated: 2025-08-29. Review status: criteria provided, single submitter. Criteria: Genomenon Sequence Variant Interpretation Standards. Collection method: curation. Allele origin: germline. Affected: yes.
Comment: ALPL p.Gln32Ter (c.94C>T) is a nonsense variant that introduces a premature stop codon at amino acid position 32, creating a truncated protein that may be subject to nonsense-mediated mRNA decay. This variant has been observed in at least one proband affected with hypophosphatasia (PMID:32811521). It is absent or not present at a significant frequency in gnomAD. In conclusion, we classify ALPL p.Gln32Ter (c.94C>T) as a pathogenic variant.

Baylor Genetics
Classification: Pathogenic for Adult hypophosphatasia. Last evaluated: 2024-03-19. Review status: criteria provided, single submitter. Criteria: ACMG Guidelines, 2015. Collection method: clinical testing. Allele origin: unknown.

Labcorp Genetics (formerly Invitae), Labcorp
Classification: Pathogenic. Last evaluated: 2022-08-02. Review status: criteria provided, single submitter. Criteria: Invitae Variant Classification Sherloc (09022015). Collection method: clinical testing. Allele origin: germline.
Comment: This sequence change creates a premature translational stop signal (p.Gln32*) in the ALPL gene. It is expected to result in an absent or disrupted protein product. Loss-of-function variants in ALPL are known to be pathogenic (PMID: 3174660, 10679946, 19500388). For these reasons, this variant has been classified as Pathogenic. ClinVar contains an entry for this variant (Variation ID: 974971). This variant has not been reported in the literature in individuals affected with ALPL-related conditions. This variant is not present in population databases (gnomAD no frequency).

Centre of Medical Genetics, University Hospital Muenster
Classification: Pathogenic. Last evaluated: 2021-02-22. Review status: criteria provided, single submitter. Criteria: ACMG Guidelines, 2015. Collection method: clinical testing. Allele origin: unknown. Affected: yes. Observed: 1 variant allele, 1 heterozygote.
Comment: ACMG categories: PVS1,PM2,PP3,PP4,PP5

Women's Health and Genetics/Laboratory Corporation of America, LabCorp
Classification: Likely pathogenic for Hypophosphatasia. Last evaluated: 2020-07-17. Review status: criteria provided, single submitter. Criteria: LabCorp Variant Classification Summary - May 2015. Collection method: clinical testing. Allele origin: germline.
Comment: Variant summary: ALPL c.94C>T (p.Gln32X) results in a premature termination codon, predicted to cause a truncation of the encoded protein or absence of the protein due to nonsense mediated decay, which are commonly known mechanisms for disease. Truncations downstream of this position have been classified as pathogenic by our laboratory. The variant was absent in 251476 control chromosomes (gnomAD). To our knowledge, no occurrence of c.94C>T in individuals affected with Hypophosphatasia and no experimental evidence demonstrating its impact on protein function have been reported. No clinical diagnostic laboratories have submitted clinical-significance assessments for this variant to ClinVar after 2014. Based on the evidence outlined above, the variant was classified as likely pathogenic.

PreventionGenetics, part of Exact Sciences
Classification: Pathogenic for ALPL-related condition. Last evaluated: 2024-07-23. Review status: no assertion criteria provided. Collection method: clinical testing. Allele origin: germline. Not counted in ClinVar's aggregate classification.
Comment: The ALPL c.94C>T variant is predicted to result in premature protein termination (p.Gln32*). This variant along with a second variant in this gene has been reported in one individual with perinatal hypophosphatasia (Table S2, Mornet et al. 2021. PubMed ID: 32973344). This variant has not been reported in a large population database, indicating this variant is rare. Nonsense variants in ALPL are expected to be pathogenic. This variant is interpreted as pathogenic.

Literature cited by the submitters: PubMed 32973344 (cited by JKU Lab, Dept of Paediatrics, Johannes Kepler University and Centre of Medical Genetics, University Hospital Muenster); PubMed 32160374 (cited by JKU Lab, Dept of Paediatrics, Johannes Kepler University); PubMed 32811521 (cited by JKU Lab, Dept of Paediatrics, Johannes Kepler University and Genomenon, Inc); PubMed 3174660 (cited by Labcorp Genetics (formerly Invitae), Labcorp); PubMed 10679946 (cited by Labcorp Genetics (formerly Invitae), Labcorp); PubMed 19500388 (cited by Labcorp Genetics (formerly Invitae), Labcorp); PubMed 29236161 (cited by Centre of Medical Genetics, University Hospital Muenster).